The following is an entry in ClinVar:

NM_007262.5(PARK7):c.203A>T (p.Asp68Val)

Gene: PARK7 (Parkinsonism associated deglycase; plus strand). Cytogenetic location: 1p36.23.
Variant type: single nucleotide variant.
Coding change: c.203A>T on transcript NM_007262.5 (MANE Select); coding-DNA position 203, A replaced by T.
Protein change: p.Asp68Val; replaces aspartic acid 68 with valine.
Molecular consequence: missense variant.
Genome position (GRCh38, 1-based): chr1:7,969,355, A>T. VCF-style: chr1-7969355-A-T. GRCh37 (hg19) VCF-style: chr1-8029415-A-T.
Other names: c.203A>T, p.Asp68Val (NM_001123377.2); short protein forms D68V.
Identifiers: ClinVar variation 4874034 (VCV004874034.2).

ClinVar aggregate classification (germline): Uncertain significance (1 of 4 stars; one submission).

gnomAD v4.1: 6 of 1,603,400 alleles (0.00037%); highest among the groups gnomAD compares: Non-Finnish European, 0.00043%; no homozygotes.

Submission:

CeGaT Center for Human Genetics Tuebingen
Classification: Uncertain significance. Last evaluated: 2026-06-01. Review status: criteria provided, single submitter. Criteria: CeGaT Center For Human Genetics Tuebingen Variant Classification Criteria Version 2. Collection method: clinical testing. Allele origin: germline. Affected: yes. Observed: 1 variant allele.
Comment: PARK7: PM2